The following is an entry in ClinVar:

NM_001164508.2(NEB):c.1303G>T (p.Val435Leu)

Gene: NEB (nebulin; minus strand). Cytogenetic location: 2q23.3.
Variant type: single nucleotide variant.
Coding change: c.1303G>T on transcript NM_001164508.2 (MANE Select); coding-DNA position 1303, G replaced by T.
Protein change: p.Val435Leu; replaces valine 435 with leucine.
Molecular consequence: missense variant.
Genome position (GRCh38, 1-based): chr2:151,697,412, C>A on the plus strand (G>T on the coding strand, the complement: NEB is on the minus strand). VCF-style: chr2-151697412-C-A. GRCh37 (hg19) VCF-style: chr2-152553926-C-A.
Other names: c.1303G>T, p.Val435Leu (NM_001164507.2, NM_001271208.2, NM_004543.5); short protein forms V435L.
Identifiers: ClinVar variation 1360501 (VCV001360501.8), dbSNP rs763255052, ClinGen allele CA348825682.

ClinVar aggregate classification (germline): Uncertain significance (1 of 4 stars; one submission).

Conditions:
Nemaline myopathy 2 (NEM2). Also called: Nemaline myopathy 2, autosomal recessive. Identifiers: MedGen C1850569, MONDO:0009725, OMIM 256030.

gnomAD v4.1: 1 of 1,613,936 alleles (0.000062%); highest among the groups gnomAD compares: Non-Finnish European, 0.000085%; no homozygotes.

Submission:

Labcorp Genetics (formerly Invitae), Labcorp
Classification: Uncertain significance for Nemaline myopathy 2. Last evaluated: 2021-06-12. Review status: criteria provided, single submitter. Criteria: Invitae Variant Classification Sherloc (09022015). Collection method: clinical testing. Allele origin: germline.
Comment: In summary, the available evidence is currently insufficient to determine the role of this variant in disease. Therefore, it has been classified as a Variant of Uncertain Significance. Algorithms developed to predict the effect of missense changes on protein structure and function are either unavailable or do not agree on the potential impact of this missense change (SIFT: "Deleterious"; PolyPhen-2: "Not Available"; Align-GVGD: "Class C0"). This variant has not been reported in the literature in individuals with NEB-related conditions. This variant is not present in population databases (ExAC no frequency). This sequence change replaces valine with leucine at codon 435 of the NEB protein (p.Val435Leu). The valine residue is moderately conserved and there is a small physicochemical difference between valine and leucine.